The following is an entry in ClinVar:

ClinVar aggregate classification (germline): Benign/Likely benign. Review status: criteria provided, multiple submitters, no conflicts (2 of 4 stars). 6 submissions from 6 submitters: Benign (1); Likely benign (5). Last evaluated 2024-09-12.

Conditions:
Hereditary cancer-predisposing syndrome. Also called: Neoplastic Syndromes, Hereditary; Hereditary neoplastic syndrome; Tumor predisposition; Hereditary Cancer Syndrome. Identifiers: Orphanet 140162, MedGen C0027672, MeSH D009386, MONDO:0015356.
Hereditary diffuse gastric adenocarcinoma (HDGC). Also called: DIFFUSE GASTRIC AND LOBULAR BREAST CANCER SYNDROME. Identifiers: Orphanet 26106, MedGen C1708349, MONDO:0007648, OMIM 137215.

Allele frequency attached by ClinVar (database versions not stated): gnomAD exomes below 0.00001.
gnomAD v4.1: 1 of 1,614,154 alleles (0.000062%); highest among the groups gnomAD compares: Non-Finnish European, 0.000085%; no homozygotes.

Submissions (6):

Myriad Genetics, Inc.
Classification: Benign for Hereditary diffuse gastric adenocarcinoma. Last evaluated: 2024-09-12. Review status: criteria provided, single submitter. Criteria: Myriad Autosomal Dominant, Autosomal Recessive and X-Linked Classification Criteria (2023). Collection method: clinical testing. Allele origin: unknown.
Comment: This variant is considered benign. This variant is a silent/synonymous amino acid change and it is not expected to impact splicing.

Labcorp Genetics (formerly Invitae), Labcorp
Classification: Likely benign for Hereditary diffuse gastric adenocarcinoma. Last evaluated: 2024-07-01. Review status: criteria provided, single submitter. Criteria: Invitae Variant Classification Sherloc (09022015). Collection method: clinical testing. Allele origin: germline.

CeGaT Center for Human Genetics Tuebingen
Classification: Likely benign. Last evaluated: 2022-07-01. Review status: criteria provided, single submitter. Criteria: CeGaT Center For Human Genetics Tuebingen Variant Classification Criteria Version 2. Collection method: clinical testing. Allele origin: germline. Affected: yes. Observed: 1 variant allele.
Comment: CDH1: PM2:Supporting, BP4, BP7

GeneDx
Classification: Likely benign. Last evaluated: 2018-01-09. Review status: criteria provided, single submitter. Criteria: GeneDx Variant Classification (06012015). Collection method: clinical testing. Allele origin: germline. Affected: yes.
Comment: This variant is considered likely benign or benign based on one or more of the following criteria: it is a conservative change, it occurs at a poorly conserved position in the protein, it is predicted to be benign by multiple in silico algorithms, and/or has population frequency not consistent with disease.

Color Diagnostics, LLC DBA Color Health
Classification: Likely benign for Hereditary cancer-predisposing syndrome. Last evaluated: 2017-06-08. Review status: criteria provided, single submitter. Criteria: ACMG Guidelines, 2015. Collection method: clinical testing. Allele origin: germline.

Ambry Genetics
Classification: Likely benign for Hereditary cancer-predisposing syndrome. Last evaluated: 2015-11-25. Review status: criteria provided, single submitter. Criteria: Ambry Variant Classification Scheme 2023. Collection method: clinical testing. Allele origin: germline.

NM_004360.5(CDH1):c.195G>A (p.Arg65=)

Gene: CDH1 (cadherin 1; plus strand). Cytogenetic location: 16q22.1.
Variant type: single nucleotide variant.
Coding change: c.195G>A on transcript NM_004360.5 (MANE Select); coding-DNA position 195, G replaced by A.
Protein change: p.Arg65=; no amino-acid change (arginine 65 retained).
Molecular consequence: synonymous variant. On other transcripts: 5 prime UTR variant (2).
Genome position (GRCh38, 1-based): chr16:68,801,701, G>A. VCF-style: chr16-68801701-G-A. GRCh37 (hg19) VCF-style: chr16-68835604-G-A.
Other names: c.195G>A (LRG_301t1); c.195G>A, p.Arg65= (NM_001317184.2); c.-1421G>A (NM_001317185.2); c.-1625G>A (NM_001317186.2).
Identifiers: ClinVar variation 387274 (VCV000387274.48), dbSNP rs1057522751, ClinGen allele CA16608232.